The following is an entry in ClinVar:

NM_000116.5(TAFAZZIN):c.560C>T (p.Ser187Phe)

Gene: TAFAZZIN (tafazzin, phospholipid-lysophospholipid transacylase; plus strand). Cytogenetic location: Xq28.
Variant type: single nucleotide variant.
Coding change: c.560C>T on transcript NM_000116.5 (MANE Select); coding-DNA position 560, C replaced by T.
Protein change: p.Ser187Phe; replaces serine 187 with phenylalanine.
Molecular consequence: missense variant. On other transcripts: non-coding transcript variant (1), intron variant (3).
Genome position (GRCh38, 1-based): chrX:154,419,723, C>T. VCF-style: chrX-154419723-C-T. GRCh37 (hg19) VCF-style: chrX-153648062-C-T.
Other names: c.524C>T, p.Ser175Phe (NM_001410698.1); c.470C>T, p.Ser157Phe (NM_181311.4); c.595+100C>T (NM_001303465.2); c.541+100C>T (NM_181312.4); c.451+100C>T (NM_181313.4); short protein forms S157F, S187F, S175F.
Identifiers: ClinVar variation 3324311 (VCV003324311.1).
Genomic context (GRCh38, chrX:154,419,723, plus strand): 5'-CGGGATGGGCTCCCAAGCCTCGCCTCTGTGCTCTCTCACCAGGGAAAGTGAACATGAGTT[C>T]CGAATTCCTGCGTTTCAAGTGGGGTAAGGGCTGCTGGTCTCTGGCCACAGCCATCCTCCC-3'
Protein context (NP_000107.1, residues 177-197): IFPEGKVNMS[Ser187Phe]EFLRFKWGIG

ClinVar aggregate classification (germline): Uncertain significance (1 of 4 stars; one submission).

Conditions:
Cardiovascular phenotype. Identifiers: MedGen CN230736.

Submission:

Ambry Genetics
Classification: Uncertain significance for Cardiovascular phenotype. Last evaluated: 2024-05-31. Review status: criteria provided, single submitter. Criteria: Ambry Variant Classification Scheme 2023. Collection method: clinical testing. Allele origin: germline.
Comment: The p.S187F variant (also known as c.560C>T), located in coding exon 7 of the TAZ gene, results from a C to T substitution at nucleotide position 560. The serine at codon 187 is replaced by phenylalanine, an amino acid with highly dissimilar properties. This amino acid position is not well conserved in available vertebrate species. In addition, the in silico prediction for this alteration is inconclusive. Based on the available evidence, the clinical significance of this variant remains unclear.